The following is an entry in ClinVar:

ClinVar aggregate classification (germline): Uncertain significance (1 of 4 stars; one submission).

Allele frequency attached by ClinVar (database versions not stated): gnomAD 0.00001; gnomAD exomes 0.00001; TOPMed 0.00001.

Submission:

Labcorp Genetics (formerly Invitae), Labcorp
Classification: Uncertain significance. Last evaluated: 2025-02-19. Review status: criteria provided, single submitter. Criteria: Invitae Variant Classification Sherloc (09022015). Collection method: clinical testing. Allele origin: germline.
Comment: This sequence change falls in intron 4 of the UNC119 gene. It does not directly change the encoded amino acid sequence of the UNC119 protein. It affects a nucleotide within the consensus splice site. This variant is present in population databases (no rsID available, gnomAD 0.003%). This variant has not been reported in the literature in individuals affected with UNC119-related conditions. ClinVar contains an entry for this variant (Variation ID: 1053077). Variants that disrupt the consensus splice site are a relatively common cause of aberrant splicing (PMID: 17576681, 9536098). Algorithms developed to predict the effect of sequence changes on RNA splicing suggest that this variant may disrupt the consensus splice site. In summary, the available evidence is currently insufficient to determine the role of this variant in disease. Therefore, it has been classified as a Variant of Uncertain Significance.

Literature cited by the submitters: PubMed 17576681; PubMed 9536098.

NM_005148.4(UNC119):c.610+5G>A

Gene: UNC119 (unc-119 lipid binding chaperone; minus strand). Cytogenetic location: 17q11.2.
Variant type: single nucleotide variant.
Coding change: c.610+5G>A on transcript NM_005148.4 (MANE Select); 5 bases into the intron after coding-DNA position 610, G replaced by A.
Molecular consequence: intron variant. On other transcripts: synonymous variant (1).
Genome position (GRCh38, 1-based): chr17:28,547,672, C>T on the plus strand (G>A on the coding strand, the complement: UNC119 is on the minus strand). VCF-style: chr17-28547672-C-T. GRCh37 (hg19) VCF-style: chr17-26874690-C-T.
Other names: c.615G>A, p.Ala205= (NM_054035.2); c.325+5G>A (NM_001330166.2).
Identifiers: ClinVar variation 1053077 (VCV001053077.5), dbSNP rs1035088427, ClinGen allele CA289103574.